The following is an entry in ClinVar:

ClinVar aggregate classification (germline): Uncertain significance (1 of 4 stars; one submission).

gnomAD v4.1: 5 of 1,502,436 alleles (0.00033%); highest among the groups gnomAD compares: South Asian, 0.0061%; no homozygotes.

Submission:

Labcorp Genetics (formerly Invitae), Labcorp
Classification: Uncertain significance. Last evaluated: 2025-02-26. Review status: criteria provided, single submitter. Criteria: Invitae Variant Classification Sherloc (09022015). Collection method: clinical testing. Allele origin: germline.
Comment: This sequence change replaces leucine, which is neutral and non-polar, with proline, which is neutral and non-polar, at codon 242 of the ALPK3 protein (p.Leu242Pro). This variant is not present in population databases (gnomAD no frequency). This variant has not been reported in the literature in individuals affected with ALPK3-related conditions. An algorithm developed to predict the effect of missense changes on protein structure and function (PolyPhen-2) suggests that this variant is likely to be disruptive. In summary, the available evidence is currently insufficient to determine the role of this variant in disease. Therefore, it has been classified as a Variant of Uncertain Significance.

NM_020778.5(ALPK3):c.119T>C (p.Leu40Pro)

Gene: ALPK3 (alpha kinase 3; plus strand). Cytogenetic location: 15q25.3.
Variant type: single nucleotide variant.
Coding change: c.119T>C on transcript NM_020778.5 (MANE Select); coding-DNA position 119, T replaced by C.
Protein change: p.Leu40Pro; replaces leucine 40 with proline.
Molecular consequence: missense variant.
Genome position (GRCh38, 1-based): chr15:84,817,571, T>C. VCF-style: chr15-84817571-T-C. GRCh37 (hg19) VCF-style: chr15-85360802-T-C.
Other names: short protein forms L40P.
Identifiers: ClinVar variation 4769575 (VCV004769575.1).
Genomic context (GRCh38, chr15:84,817,571, plus strand): 5'-GGGGCGACGGTGAGGACGACGGCCCCGTGTGGATCCCCAGCCCAGCCAGCCGGAGCTACC[T>C]GCTCAGCGTGCGGCCCGAGACCAGGTAAGTGGCACCAAGGGGCAGGGCGGCGTCGGGCCG-3'
Protein context (NP_065829.4, residues 30-50): WIPSPASRSY[Leu40Pro]LSVRPETSLS